The following is an entry in ClinVar:

ClinVar aggregate classification (germline): Conflicting classifications of pathogenicity. Review status: criteria provided, conflicting classifications (1 of 4 stars). 5 submissions from 4 submitters: Uncertain significance (3); Likely benign (2). Last evaluated 2025-09-17.

Conditions:
Retinitis pigmentosa (RP). Identifiers: Orphanet 791, MedGen C0035334, MeSH D012174, MONDO:0019200, OMIM 268000. Inheritance: Autosomal dominant, autosomal recessive and X linked inheritance.
Inborn genetic diseases. Identifiers: MedGen C0950123, MeSH D030342.
Congenital stationary night blindness autosomal dominant 2. Also called: NIGHT BLINDNESS, CONGENITAL STATIONARY, RAMBUSCH TYPE. Identifiers: Orphanet 215, MedGen C1876182, MONDO:0008099, OMIM 163500.

Allele frequency attached by ClinVar (database versions not stated): TOPMed 0.00005; gnomAD exomes 0.00006; ExAC 0.00007; gnomAD 0.00007; ESP Exome Variant Server 0.00008; 1000 Genomes Project 0.00040; 1000 Genomes Project 30x 0.00062.
gnomAD v4.1: 45 of 1,612,908 alleles (0.0028%); highest among the groups gnomAD compares: African/African-American, 0.021%; no homozygotes.

Submissions (5):

Labcorp Genetics (formerly Invitae), Labcorp
Classification: Uncertain significance. Last evaluated: 2025-09-17. Review status: criteria provided, single submitter. Criteria: Invitae Variant Classification Sherloc (09022015). Collection method: clinical testing. Allele origin: germline.
Comment: This sequence change replaces arginine, which is basic and polar, with glutamine, which is neutral and polar, at codon 309 of the PDE6B protein (p.Arg309Gln). This variant is present in population databases (rs145756948, gnomAD 0.03%). This variant has not been reported in the literature in individuals affected with PDE6B-related conditions. ClinVar contains an entry for this variant (Variation ID: 349366). An algorithm developed to predict the effect of missense changes on protein structure and function (PolyPhen-2) suggests that this variant is likely to be tolerated. In summary, the available evidence is currently insufficient to determine the role of this variant in disease. Therefore, it has been classified as a Variant of Uncertain Significance.

Ambry Genetics
Classification: Uncertain significance for Inborn genetic diseases. Last evaluated: 2024-10-07. Review status: criteria provided, single submitter. Criteria: Ambry Variant Classification Scheme 2023. Collection method: clinical testing. Allele origin: germline.

Blueprint Genetics
Classification: Uncertain significance. Last evaluated: 2024-10-07. Review status: criteria provided, single submitter. Criteria: ACMG Guidelines, 2015. Collection method: clinical testing. Allele origin: germline.

Illumina Laboratory Services, Illumina
Classification: Likely benign for Congenital stationary night blindness autosomal dominant 2. Last evaluated: 2017-04-27. Review status: criteria provided, single submitter. Criteria: ICSL Variant Classification Criteria 13 December 2019. Collection method: clinical testing. Allele origin: germline.
Comment: This variant was observed as part of a predisposition screen in an ostensibly healthy population. A literature search was performed for the gene, cDNA change, and amino acid change (where applicable). No publications were found based on this search. Allele frequency data from public databases allowed determination this variant is unlikely to cause disease. Therefore, this variant is classified as likely benign.

Illumina Laboratory Services, Illumina
Classification: Likely benign for Retinitis pigmentosa. Last evaluated: 2017-04-27. Review status: criteria provided, single submitter. Criteria: ICSL Variant Classification Criteria 13 December 2019. Collection method: clinical testing. Allele origin: germline.
Comment: the same text as in the submission from Illumina Laboratory Services, Illumina above.

NM_000283.4(PDE6B):c.926G>A (p.Arg309Gln)

Genes: PDE6B (phosphodiesterase 6B; plus strand), PDE6B-AS1 (PDE6B antisense RNA 1; minus strand). Cytogenetic location: 4p16.3.
Variant type: single nucleotide variant.
Coding change: c.926G>A on transcript NM_000283.4 (MANE Select); coding-DNA position 926, G replaced by A.
Protein change: p.Arg309Gln; replaces arginine 309 with glutamine.
Molecular consequence: missense variant. On other transcripts: 5 prime UTR variant (1).
Genome position (GRCh38, 1-based): chr4:654,153, G>A. VCF-style: chr4-654153-G-A. GRCh37 (hg19) VCF-style: chr4-647942-G-A.
Other names: c.926G>A, p.Arg309Gln (NM_001145291.2); c.89G>A, p.Arg30Gln (NM_001145292.2, NM_001350154.3, NM_001379246.1 and 1 more transcripts); c.-115G>A (NM_001350155.3); short protein forms R309Q, R30Q.
Identifiers: ClinVar variation 349366 (VCV000349366.14), dbSNP rs145756948, ClinGen allele CA2794178.
Genomic context (GRCh38, chr4:654,153, plus strand): 5'-TGTGGTCTGTGCTGATGGGAGAGTCCCAGCCGTACTCGGGCCCACGCACGCCTGATGGCC[G>A]GGTGAGTCTTAGGGGAGGGGCCCAGGGCCTGTCCACACGCCTCTGTTTCCCTGACTCCAA-3'
Protein context (NP_000274.3, residues 299-319): PYSGPRTPDG[Arg309Gln]EIVFYKVIDY